The following is an entry in ClinVar:

ClinVar aggregate classification (germline): Uncertain significance. Review status: criteria provided, multiple submitters, no conflicts (2 of 4 stars). 2 submissions from 2 submitters: Uncertain significance (2). Last evaluated 2022-07-06.

Conditions:
Macular corneal dystrophy (MCD). Also called: GROENOUW TYPE II CORNEAL DYSTROPHY; Macular corneal dystrophy Type I. Identifiers: Orphanet 98969, MedGen C1636149, MONDO:0009020, OMIM 217800.

Allele frequency attached by ClinVar (database versions not stated): ExAC 0.00023; gnomAD exomes 0.00023; gnomAD 0.00025; TOPMed 0.00036; ESP Exome Variant Server 0.00038.

Submissions (2):

Labcorp Genetics (formerly Invitae), Labcorp
Classification: Uncertain significance for Macular corneal dystrophy. Last evaluated: 2022-07-06. Review status: criteria provided, single submitter. Criteria: Invitae Variant Classification Sherloc (09022015). Collection method: clinical testing. Allele origin: germline.
Comment: This sequence change replaces arginine, which is basic and polar, with glutamine, which is neutral and polar, at codon 394 of the CHST6 protein (p.Arg394Gln). This variant is present in population databases (rs139042144, gnomAD 0.05%). This variant has not been reported in the literature in individuals affected with CHST6-related conditions. ClinVar contains an entry for this variant (Variation ID: 320601). Algorithms developed to predict the effect of missense changes on protein structure and function (SIFT, PolyPhen-2, Align-GVGD) all suggest that this variant is likely to be tolerated. In summary, the available evidence is currently insufficient to determine the role of this variant in disease. Therefore, it has been classified as a Variant of Uncertain Significance.

Illumina Laboratory Services, Illumina
Classification: Uncertain significance for Macular corneal dystrophy. Last evaluated: 2018-01-12. Review status: criteria provided, single submitter. Criteria: ICSL Variant Classification Criteria 13 December 2019. Collection method: clinical testing. Allele origin: germline.

NM_021615.5(CHST6):c.1181G>A (p.Arg394Gln)

Gene: CHST6 (carbohydrate sulfotransferase 6; minus strand). Cytogenetic location: 16q23.1.
Variant type: single nucleotide variant.
Coding change: c.1181G>A on transcript NM_021615.5 (MANE Select); coding-DNA position 1181, G replaced by A.
Protein change: p.Arg394Gln; replaces arginine 394 with glutamine.
Molecular consequence: missense variant.
Genome position (GRCh38, 1-based): chr16:75,478,648, C>T on the plus strand (G>A on the coding strand, the complement: CHST6 is on the minus strand). VCF-style: chr16-75478648-C-T. GRCh37 (hg19) VCF-style: chr16-75512546-C-T.
Other names: short protein forms R394Q.
Identifiers: ClinVar variation 320601 (VCV000320601.8), dbSNP rs139042144, ClinGen allele CA8175268.
Genomic context (GRCh38, chr16:75,478,648, plus strand): 5'-TGCACCATGCACTCTCCTCCCGGGCCTAGCGCCTGCTACAACTGTGGCCTCCACTAATTT[C>T]GGGGGTGCGAGGCGGTGGATGATGCCCAAGTGAAGCCGTTCAGGCCTCGTGGCAGCACCA-3'
Protein context (NP_067628.1, residues 384-395): TWASSTASHP[Arg394Gln]N